The following is an entry in ClinVar:

NM_001371623.1(TCOF1):c.4163A>G (p.Lys1388Arg)

Gene: TCOF1 (treacle ribosome biogenesis factor 1; plus strand). Cytogenetic location: 5q32.
Variant type: single nucleotide variant.
Coding change: c.4163A>G on transcript NM_001371623.1 (MANE Select); coding-DNA position 4163, A replaced by G.
Protein change: p.Lys1388Arg; replaces lysine 1388 with arginine.
Molecular consequence: missense variant.
Genome position (GRCh38, 1-based): chr5:150,396,660, A>G. VCF-style: chr5-150396660-A-G. GRCh37 (hg19) VCF-style: chr5-149776223-A-G.
Other names: c.3929A>G, p.Lys1310Arg (NM_000356.4, NM_001437406.1); c.4160A>G, p.Lys1387Arg (NM_001135243.2); c.4049A>G, p.Lys1350Arg (NM_001135244.2); c.3932A>G, p.Lys1311Arg (NM_001135245.2); c.4046A>G, p.Lys1349Arg (NM_001195141.2); short protein forms K1350R, K1310R, K1311R, K1388R, K1349R, K1387R.
Identifiers: ClinVar variation 4632895 (VCV004632895.1).

ClinVar aggregate classification (germline): Uncertain significance (1 of 4 stars; one submission).

Conditions:
Inborn genetic diseases. Identifiers: MedGen C0950123, MeSH D030342.

Submission:

Ambry Genetics
Classification: Uncertain significance for Inborn genetic diseases. Last evaluated: 2025-10-03. Review status: criteria provided, single submitter. Criteria: Ambry Variant Classification Scheme 2023. Collection method: clinical testing. Allele origin: germline.
Comment: The c.4160A>G (p.K1387R) alteration is located in exon 24 (coding exon 24) of the TCOF1 gene. This alteration results from a A to G substitution at nucleotide position 4160, causing the lysine (K) at amino acid position 1387 to be replaced by an arginine (R). Based on data from gnomAD, the G allele has an overall frequency of <0.001% (1/244990) total alleles studied. The highest observed frequency was <0.001% (/) of alleles. Based on insufficient or conflicting evidence, the clinical significance of this alteration remains unclear.